The following is an entry in ClinVar:

NM_004646.4(NPHS1):c.2256_2257insAG (p.Val753fs)

Gene: NPHS1 (NPHS1 adhesion molecule, nephrin; minus strand). Cytogenetic location: 19q13.12.
Variant type: Insertion.
Coding change: c.2256_2257insAG on transcript NM_004646.4 (MANE Select); coding-DNA positions 2256 to 2257, AG inserted.
Protein change: p.Val753fs; shifts the reading frame from valine 753.
Molecular consequence: frameshift variant.
Genome position: GRCh38 VCF-style: chr19-35843549-C-CCT. GRCh37 (hg19) VCF-style: chr19-36334451-C-CCT.
Other names: short protein forms V753fs.
Identifiers: ClinVar variation 1724119 (VCV001724119.2), dbSNP rs2513770560, ClinGen allele CA2580096877.

ClinVar aggregate classification (germline): Likely pathogenic (1 of 4 stars; one submission).

Conditions:
Finnish congenital nephrotic syndrome (NPHS1). Also called: NEPHROTIC SYNDROME, TYPE 1. Identifiers: Orphanet 839, MedGen C0403399, MONDO:0009732, OMIM 256300.

Submission:

Myriad Genetics, Inc.
Classification: Likely pathogenic for Finnish congenital nephrotic syndrome. Last evaluated: 2022-01-25. Review status: criteria provided, single submitter. Criteria: Myriad Women's Health Autosomal Recessive and X-Linked Classification Criteria (2021). Collection method: clinical testing. Allele origin: unknown.
Comment: NM_004646.3(NPHS1):c.2256_2257insAG(V753Rfs*8) is expected to be pathogenic in the context of nephrotic syndrome, NPHS1-related. This variant is predicted to lead to an abnormal or absent protein product due to the creation of a premature termination codon in NPHS1, a gene where loss-of-function variants are known to be pathogenic. Please note: this variant was assessed in the context of healthy population screening.